The following is an entry in ClinVar:

ClinVar aggregate classification (germline): Uncertain significance. Review status: criteria provided, multiple submitters, no conflicts (2 of 4 stars). 3 submissions from 3 submitters: Uncertain significance (3). Last evaluated 2025-09-10.

Conditions:
PEX10-related disorder. Also called: PEX10-related condition.
Inborn genetic diseases. Identifiers: MedGen C0950123, MeSH D030342.
Peroxisome biogenesis disorder, complementation group 7 (CG7). Also called: Peroxisome biogenesis disorder, complementation group B. Identifiers: MedGen C1864399.

Allele frequency attached by ClinVar (database versions not stated): ExAC 0.00001; gnomAD exomes 0.00001; gnomAD 0.00010 and 0.00011; TOPMed 0.00024.

Submissions (3):

PreventionGenetics, part of Exact Sciences
Classification: Uncertain significance for PEX10-related condition. Last evaluated: 2025-09-10. Review status: criteria provided, single submitter. Criteria: ACMG Guidelines, 2015. Collection method: clinical testing. Allele origin: germline.
Comment: The PEX10 c.361C>A variant is predicted to result in the amino acid substitution p.Pro121Thr. To our knowledge, this variant has not been reported in the literature. This variant is reported in 0.0057% of alleles in individuals of Latino descent in gnomAD. At this time, the clinical significance of this variant is uncertain due to the absence of conclusive functional and genetic evidence.

Ambry Genetics
Classification: Uncertain significance for Inborn genetic diseases. Last evaluated: 2023-11-06. Review status: criteria provided, single submitter. Criteria: Ambry Variant Classification Scheme 2023. Collection method: clinical testing. Allele origin: germline.

Labcorp Genetics (formerly Invitae), Labcorp
Classification: Uncertain significance for Peroxisome biogenesis disorder, complementation group 7. Last evaluated: 2022-11-01. Review status: criteria provided, single submitter. Criteria: Invitae Variant Classification Sherloc (09022015). Collection method: clinical testing. Allele origin: germline.
Comment: This sequence change replaces proline, which is neutral and non-polar, with threonine, which is neutral and polar, at codon 121 of the PEX10 protein (p.Pro121Thr). The frequency data for this variant in the population databases is considered unreliable, as metrics indicate poor data quality at this position in the gnomAD database. This variant has not been reported in the literature in individuals affected with PEX10-related conditions. ClinVar contains an entry for this variant (Variation ID: 1478652). Algorithms developed to predict the effect of missense changes on protein structure and function (SIFT, PolyPhen-2, Align-GVGD) all suggest that this variant is likely to be tolerated. In summary, the available evidence is currently insufficient to determine the role of this variant in disease. Therefore, it has been classified as a Variant of Uncertain Significance.

NM_002617.4(PEX10):c.361C>A (p.Pro121Thr)

Gene: PEX10 (peroxisomal biogenesis factor 10; minus strand). Cytogenetic location: 1p36.32.
Variant type: single nucleotide variant.
Coding change: c.361C>A on transcript NM_002617.4 (MANE Select); coding-DNA position 361, C replaced by A.
Protein change: p.Pro121Thr; replaces proline 121 with threonine.
Molecular consequence: missense variant. On other transcripts: 5 prime UTR variant (2), non-coding transcript variant (1).
Genome position (GRCh38, 1-based): chr1:2,408,691, G>T on the plus strand (C>A on the coding strand, the complement: PEX10 is on the minus strand). VCF-style: chr1-2408691-G-T. GRCh37 (hg19) VCF-style: chr1-2340130-G-T.
Other names: c.361C>A, p.Pro121Thr (NM_001374425.1, NM_153818.2); c.-72C>A (NM_001374426.1, NM_001374427.1); c.361C>A (NM_153818.1); short protein forms P121T.
Identifiers: ClinVar variation 1478652 (VCV001478652.5), dbSNP rs1056200158, ClinGen allele CA538199.
Genomic context (GRCh38, chr1:2,408,691, plus strand): 5'-CCCCTGAGCAGCCACGCCCACCTGGCCCCAGGCTCCCCTGCAAGGGTCGCCCACTGTCGG[G>T]GTCAGCCTGCAGCTCCTGCTCCAGGGGGAGCAGGGCCTTGTCCAGCAGGTAGGGCAGGAC-3'
Protein context (NP_002608.1, residues 111-131): LPLEQELQAD[Pro121Thr]DSGRPLQGSL